The following is an entry in ClinVar:

ClinVar aggregate classification (germline): Uncertain significance (1 of 4 stars; one submission).

Allele frequency attached by ClinVar (database versions not stated): gnomAD exomes below 0.00001 and 0.00001; TOPMed 0.00001.
gnomAD v4.1: 9 of 1,614,244 alleles (0.00056%); highest among the groups gnomAD compares: Middle Eastern, 0.016%; no homozygotes.

Submission:

Labcorp Genetics (formerly Invitae), Labcorp
Classification: Uncertain significance. Last evaluated: 2021-08-31. Review status: criteria provided, single submitter. Criteria: Invitae Variant Classification Sherloc (09022015). Collection method: clinical testing. Allele origin: germline.
Comment: This sequence change replaces aspartic acid with asparagine at codon 620 of the LETM1 protein (p.Asp620Asn). The aspartic acid residue is highly conserved and there is a small physicochemical difference between aspartic acid and asparagine. This variant is not present in population databases (ExAC no frequency). This variant has not been reported in the literature in individuals affected with LETM1-related conditions. Algorithms developed to predict the effect of missense changes on protein structure and function are either unavailable or do not agree on the potential impact of this missense change (SIFT: "Deleterious"; PolyPhen-2: "Possibly Damaging"; Align-GVGD: "Class C0"). In summary, the available evidence is currently insufficient to determine the role of this variant in disease. Therefore, it has been classified as a Variant of Uncertain Significance.

NM_012318.3(LETM1):c.1858G>A (p.Asp620Asn)

Gene: LETM1 (leucine zipper and EF-hand containing transmembrane protein 1; minus strand). Cytogenetic location: 4p16.3.
Variant type: single nucleotide variant.
Coding change: c.1858G>A on transcript NM_012318.3 (MANE Select); coding-DNA position 1858, G replaced by A.
Protein change: p.Asp620Asn; replaces aspartic acid 620 with asparagine.
Molecular consequence: missense variant.
Genome position (GRCh38, 1-based): chr4:1,816,800, C>T on the plus strand (G>A on the coding strand, the complement: LETM1 is on the minus strand). VCF-style: chr4-1816800-C-T. GRCh37 (hg19) VCF-style: chr4-1818527-C-T.
Other names: short protein forms D620N.
Identifiers: ClinVar variation 1499876 (VCV001499876.5), dbSNP rs1179218843, ClinGen allele CA355995286.